The following is an entry in ClinVar:

NM_001083962.2(TCF4):c.88G>T (p.Val30Leu)

Gene: TCF4 (transcription factor 4; minus strand). Cytogenetic location: 18q21.2.
Variant type: single nucleotide variant.
Coding change: c.88G>T on transcript NM_001083962.2 (MANE Select); coding-DNA position 88, G replaced by T.
Protein change: p.Val30Leu; replaces valine 30 with leucine.
Molecular consequence: missense variant.
Genome position (GRCh38, 1-based): chr18:55,585,337, C>A on the plus strand (G>T on the coding strand, the complement: TCF4 is on the minus strand). VCF-style: chr18-55585337-C-A. GRCh37 (hg19) VCF-style: chr18-53252568-C-A.
Other names: c.394G>T, p.Val132Leu (NM_001243226.3); c.16G>T, p.Val6Leu (NM_001243227.2, NM_001306207.1, NM_001348217.1 and 15 more transcripts); c.88G>T, p.Val30Leu (NM_001243228.2, NM_001330604.3, NM_001369567.1 and 8 more transcripts); c.82G>T, p.Val28Leu (NM_001243230.2); short protein forms V132L, V28L, V30L, V6L.
Identifiers: ClinVar variation 3365123 (VCV003365123.2).
Genomic context (GRCh38, chr18:55,585,337, plus strand): 5'-TACTTGAGCCAGTAAAATGTCCACTTGCCAAAGAAGTTGGTCCATTTTTCCCACTGCTCA[C>A]AGGAGGTGAAAACATCTAAAAGAAACAAAGAAATATTACAGTTGAAAAGAAGACACTTGT-3'
Protein context (NP_001077431.1, residues 20-40): LDFSAMFSPP[Val30Leu]SSGKNGPTSL

ClinVar aggregate classification (germline): Uncertain significance. Review status: criteria provided, multiple submitters, no conflicts (2 of 4 stars). 2 submissions from 2 submitters: Uncertain significance (2). Last evaluated 2026-02-16.

Conditions:
Inborn genetic diseases. Identifiers: MedGen C0950123, MeSH D030342.

Submissions (2):

Ambry Genetics
Classification: Uncertain significance for Inborn genetic diseases. Last evaluated: 2026-02-16. Review status: criteria provided, single submitter. Criteria: Ambry Variant Classification Scheme 2023. Collection method: clinical testing. Allele origin: germline.

GeneDx
Classification: Uncertain significance. Last evaluated: 2023-12-01. Review status: criteria provided, single submitter. Criteria: GeneDx Variant Classification Process June 2021. Collection method: clinical testing. Allele origin: germline. Affected: yes.
Comment: Not observed at significant frequency in large population cohorts (gnomAD); In silico analysis supports that this missense variant has a deleterious effect on protein structure/function; Has not been previously published as pathogenic or benign to our knowledge